The following is an entry in ClinVar:

ClinVar aggregate classification (germline): Pathogenic (1 of 4 stars; one submission).

Conditions:
Lesch-Nyhan syndrome (LNS). Also called: Lesch-Nyhan Disease (LND); HPRT DEFICIENCY, COMPLETE. Identifiers: Orphanet 510, MedGen C0023374, MONDO:0010298, OMIM 300322.
Partial hypoxanthine-guanine phosphoribosyltransferase deficiency. Also called: Kelley-Seegmiller Syndrome; HPRT DEFICIENCY, PARTIAL; HYPOXANTHINE GUANINE PHOSPHORIBOSYLTRANSFERASE 1 DEFICIENCY, PARTIAL; HPRT1 DEFICIENCY, PARTIAL; GOUT, HPRT-RELATED. Identifiers: Orphanet 79233, MedGen C0268117, MONDO:0010299, OMIM 300323.

Submission:

Labcorp Genetics (formerly Invitae), Labcorp
Classification: Pathogenic for Lesch-Nyhan syndrome; Partial hypoxanthine-guanine phosphoribosyltransferase deficiency. Last evaluated: 2025-08-21. Review status: criteria provided, single submitter. Criteria: Invitae Variant Classification Sherloc (09022015). Collection method: clinical testing. Allele origin: germline.
Comment: This sequence change replaces alanine, which is neutral and non-polar, with aspartic acid, which is acidic and polar, at codon 64 of the HPRT1 protein (p.Ala64Asp). This variant is not present in population databases (gnomAD no frequency). This missense change has been observed in individual(s) with Lesch-Nyhan syndrome (PMID: 8111415, 20638392, 34765395; internal data). ClinVar contains an entry for this variant (Variation ID: 1512051). An algorithm developed to predict the effect of missense changes on protein structure and function (PolyPhen-2) suggests that this variant is likely to be disruptive. This variant disrupts the p.Ala64 amino acid residue in HPRT1. Other variant(s) that disrupt this residue have been observed in individuals with HPRT1-related conditions (PMID: 1483694), which suggests that this may be a clinically significant amino acid residue. For these reasons, this variant has been classified as Pathogenic.

Literature cited by the submitters: PubMed 8111415; PubMed 20638392; PubMed 34765395; PubMed 1483694.

NM_000194.3(HPRT1):c.191C>A (p.Ala64Asp)

Gene: HPRT1 (hypoxanthine phosphoribosyltransferase 1; plus strand). Cytogenetic location: Xq26.2.
Variant type: single nucleotide variant.
Coding change: c.191C>A on transcript NM_000194.3 (MANE Select); coding-DNA position 191, C replaced by A.
Protein change: p.Ala64Asp; replaces alanine 64 with aspartic acid.
Molecular consequence: missense variant.
Genome position (GRCh38, 1-based): chrX:134,475,237, C>A. VCF-style: chrX-134475237-C-A. GRCh37 (hg19) VCF-style: chrX-133609267-C-A.
Other names: short protein forms A64D.
Identifiers: ClinVar variation 1512051 (VCV001512051.8), dbSNP rs2124291425, ClinGen allele CA414712046.